The following is an entry in ClinVar:

ClinVar aggregate classification (germline): Likely benign (0 of 4 stars; one submission).

Conditions:
ALPI-related disorder. Also called: ALPI-related condition.

Allele frequency attached by ClinVar (database versions not stated): ExAC 0.00017; ESP Exome Variant Server 0.00024.
gnomAD v4.1: 61 of 1,549,366 alleles (0.0039%); highest among the groups gnomAD compares: African/African-American, 0.077%; no homozygotes.

Submission:

PreventionGenetics, part of Exact Sciences
Classification: Likely benign for ALPI-related condition. Last evaluated: 2019-08-13. Review status: no assertion criteria provided. Collection method: clinical testing. Allele origin: germline.
Comment: This variant is classified as likely benign based on ACMG/AMP sequence variant interpretation guidelines (Richards et al. 2015 PMID: 25741868, with internal and published modifications).

NM_001631.5(ALPI):c.1488G>A (p.Ala496=)

Gene: ALPI (alkaline phosphatase, intestinal; plus strand). Cytogenetic location: 2q37.1.
Variant type: single nucleotide variant.
Coding change: c.1488G>A on transcript NM_001631.5 (MANE Select); coding-DNA position 1488, G replaced by A.
Protein change: p.Ala496=; no amino-acid change (alanine 496 retained).
Molecular consequence: synonymous variant.
Genome position (GRCh38, 1-based): chr2:232,459,047, G>A. VCF-style: chr2-232459047-G-A. GRCh37 (hg19) VCF-style: chr2-233323757-G-A.
Identifiers: ClinVar variation 3053263 (VCV003053263.2), dbSNP rs376843697, ClinGen allele CA2166812.
Genomic context (GRCh38, chr2:232,459,047, plus strand): 5'-CGTAGCGCATGTCATGGCCTTCGCTGCCTGTCTGGAGCCCTACACGGCCTGCGACCTGGC[G>A]CCTCCCGCCTGCACCACCGACGCCGCGCACCCAGTTGCCGCGTCGCTGCCACTGCTGGCC-3'
Protein context (NP_001622.2, residues 486-506): CLEPYTACDL[Ala496=]PPACTTDAAH